The following is an entry in ClinVar:

NM_032119.4(ADGRV1):c.14599del (p.Thr4867fs)

Gene: ADGRV1 (adhesion G protein-coupled receptor V1; plus strand). Cytogenetic location: 5q14.3.
Variant type: Deletion.
Coding change: c.14599del on transcript NM_032119.4 (MANE Select); coding-DNA position 14599, one base deleted (A; older notation c.14599delA).
Protein change: p.Thr4867fs; shifts the reading frame from threonine 4867.
Molecular consequence: frameshift variant. On other transcripts: non-coding transcript variant (1).
Genome position (GRCh38, 1-based): chr5:90,802,820, A deleted; the last of 2 consecutive A bases (chr5:90,802,819-90,802,820); deleting either gives the same sequence. VCF-style (leftmost placement, unchanged base first): chr5-90802818-CA-C. GRCh37 (hg19) VCF-style: chr5-90098635-CA-C.
Other names: short protein forms T4867fs.
Identifiers: ClinVar variation 1392126 (VCV001392126.6), dbSNP rs2150189440, ClinGen allele CA2573140015.

ClinVar aggregate classification (germline): Pathogenic (1 of 4 stars; one submission).

Submission:

Labcorp Genetics (formerly Invitae), Labcorp
Classification: Pathogenic. Last evaluated: 2021-03-12. Review status: criteria provided, single submitter. Criteria: Invitae Variant Classification Sherloc (09022015). Collection method: clinical testing. Allele origin: germline.
Comment: This sequence change creates a premature translational stop signal (p.Thr4867Glnfs*32) in the ADGRV1 gene. It is expected to result in an absent or disrupted protein product. Loss-of-function variants in ADGRV1 are known to be pathogenic (PMID: 19357117, 22135276, 22147658, 26667666, 30029497). This variant is not present in population databases (ExAC no frequency). This variant has not been reported in the literature in individuals with ADGRV1-related conditions. For these reasons, this variant has been classified as Pathogenic.

Literature cited by the submitters: PubMed 19357117; PubMed 22135276; PubMed 22147658; PubMed 26667666; PubMed 30029497.